The following is an entry in ClinVar:

NM_001271.4(CHD2):c.1388A>C (p.Gln463Pro)

Gene: CHD2 (chromodomain helicase DNA binding protein 2; plus strand). Cytogenetic location: 15q26.1.
Variant type: single nucleotide variant.
Coding change: c.1388A>C on transcript NM_001271.4 (MANE Select); coding-DNA position 1388, A replaced by C.
Protein change: p.Gln463Pro; replaces glutamine 463 with proline.
Molecular consequence: missense variant.
Genome position (GRCh38, 1-based): chr15:92,948,962, A>C. VCF-style: chr15-92948962-A-C. GRCh37 (hg19) VCF-style: chr15-93492192-A-C.
Other names: c.1388A>C, p.Gln463Pro (NM_001042572.3); short protein forms Q463P.
Identifiers: ClinVar variation 3636671 (VCV003636671.2).
Genomic context (GRCh38, chr15:92,948,962, plus strand): 5'-ACATAGTAGCAGTAAGAACATTTTCTCAGACTTGGGCTTTTGTTTTTCAGGCCCTGAAGC[A>C]GAGACCACGATTTGTAGCTTTAAAGAAACAACCTGCATATTTAGGAGGGGAGAATCTGGA-3'
Protein context (NP_001262.3, residues 453-473): IPTRECKALK[Gln463Pro]RPRFVALKKQ

ClinVar aggregate classification (germline): Uncertain significance (1 of 4 stars; one submission).

Conditions:
Developmental and epileptic encephalopathy 94 (DEE94). Also called: Epileptic encephalopathy, childhood-onset; CHD2-Related Neurodevelopmental Disorders. Identifiers: Orphanet 1942, Orphanet 2382, MedGen C3809278, MONDO:0014150, OMIM 615369.

Submission:

Labcorp Genetics (formerly Invitae), Labcorp
Classification: Uncertain significance for Developmental and epileptic encephalopathy 94. Last evaluated: 2024-02-16. Review status: criteria provided, single submitter. Criteria: Invitae Variant Classification Sherloc (09022015). Collection method: clinical testing. Allele origin: germline.
Comment: This sequence change replaces glutamine, which is neutral and polar, with proline, which is neutral and non-polar, at codon 463 of the CHD2 protein (p.Gln463Pro). This variant is not present in population databases (gnomAD no frequency). This variant has not been reported in the literature in individuals affected with CHD2-related conditions. Advanced modeling of protein sequence and biophysical properties (such as structural, functional, and spatial information, amino acid conservation, physicochemical variation, residue mobility, and thermodynamic stability) performed at Invitae indicates that this missense variant is not expected to disrupt CHD2 protein function with a negative predictive value of 95%. In summary, the available evidence is currently insufficient to determine the role of this variant in disease. Therefore, it has been classified as a Variant of Uncertain Significance.